The following is an entry in ClinVar:

NM_000051.4(ATM):c.4064C>G (p.Ala1355Gly)

Gene: ATM (ATM serine/threonine kinase; plus strand). Cytogenetic location: 11q22.3.
Variant type: single nucleotide variant.
Coding change: c.4064C>G on transcript NM_000051.4 (MANE Select); coding-DNA position 4064, C replaced by G.
Protein change: p.Ala1355Gly; replaces alanine 1355 with glycine.
Molecular consequence: missense variant.
Genome position (GRCh38, 1-based): chr11:108,287,670, C>G. VCF-style: chr11-108287670-C-G. GRCh37 (hg19) VCF-style: chr11-108158397-C-G.
Other names: c.4064C>G, p.Ala1355Gly (NM_001351834.2); short protein forms A1355G.
Identifiers: ClinVar variation 2099944 (VCV002099944.4), dbSNP rs1591655990, ClinGen allele CA382528088.

ClinVar aggregate classification (germline): Uncertain significance (1 of 4 stars; one submission).

Conditions:
Ataxia-telangiectasia syndrome (AT). Also called: AT, COMPLEMENTATION GROUP C; Ataxia telangiectasia (A-T); LOUIS-BAR SYNDROME; Ataxia-telangiectasia, complementation group D; Ataxia-telangiectasia, complementation group E; ATAXIA-TELANGIECTASIA, COMPLEMENTATION GROUP A. Identifiers: Orphanet 100, MedGen C0004135, MONDO:0008840, OMIM 208900.

Submission:

Labcorp Genetics (formerly Invitae), Labcorp
Classification: Uncertain significance for Ataxia-telangiectasia syndrome. Last evaluated: 2022-10-18. Review status: criteria provided, single submitter. Criteria: Invitae Variant Classification Sherloc (09022015). Collection method: clinical testing. Allele origin: germline.
Comment: In summary, the available evidence is currently insufficient to determine the role of this variant in disease. Therefore, it has been classified as a Variant of Uncertain Significance. Algorithms developed to predict the effect of missense changes on protein structure and function output the following: SIFT: "Tolerated"; PolyPhen-2: "Benign"; Align-GVGD: "Class C0". The glycine amino acid residue is found in multiple mammalian species, which suggests that this missense change does not adversely affect protein function. This variant has not been reported in the literature in individuals affected with ATM-related conditions. This variant is not present in population databases (gnomAD no frequency). This sequence change replaces alanine, which is neutral and non-polar, with glycine, which is neutral and non-polar, at codon 1355 of the ATM protein (p.Ala1355Gly).